The following is an entry in ClinVar:

NM_203395.3(IYD):c.745G>A (p.Val249Met)

Gene: IYD (iodotyrosine deiodinase; plus strand). Cytogenetic location: 6q25.1.
Variant type: single nucleotide variant.
Coding change: c.745G>A on transcript NM_203395.3 (MANE Select); coding-DNA position 745, G replaced by A.
Protein change: p.Val249Met; replaces valine 249 with methionine.
Molecular consequence: missense variant. On other transcripts: 3 prime UTR variant (1), non-coding transcript variant (1).
Genome position (GRCh38, 1-based): chr6:150,398,112, G>A. VCF-style: chr6-150398112-G-A. GRCh37 (hg19) VCF-style: chr6-150719248-G-A.
Other names: c.857G>A, p.Gly286Asp (NM_001164694.2); c.*62G>A (NM_001164695.2); c.499G>A, p.Val167Met (NM_001318495.2); short protein forms V249M, V167M, G286D.
Identifiers: ClinVar variation 2360232 (VCV002360232.3), dbSNP rs202223369, ClinGen allele CA4047141.

ClinVar aggregate classification (germline): Uncertain significance. Review status: criteria provided, multiple submitters, no conflicts (2 of 4 stars). 2 submissions from 2 submitters: Uncertain significance (2). Last evaluated 2024-09-17.

Allele frequency attached by ClinVar (database versions not stated): ExAC 0.00006; gnomAD 0.00006 and 0.00015; gnomAD exomes 0.00006; TOPMed 0.00010 and 0.00028; 1000 Genomes Project 30x 0.00016; 1000 Genomes Project 0.00020.

Submissions (2):

Women's Health and Genetics/Laboratory Corporation of America, LabCorp
Classification: Uncertain significance. Last evaluated: 2024-09-17. Review status: criteria provided, single submitter. Criteria: LabCorp Variant Classification Summary - May 2015. Collection method: clinical testing. Allele origin: germline.
Comment: Variant summary: IYD c.745G>A (p.Val249Met) results in a conservative amino acid change located in the Nitroreductase domain (IPR029479) of the encoded protein sequence. Five of five in-silico tools predict a benign effect of the variant on protein function. The variant allele was found at a frequency of 5.6e-05 in 251414 control chromosomes. This frequency is not significantly higher than estimated for a pathogenic variant in IYD causing Iodotyrosine deiodination defect, allowing no conclusion about variant significance. To our knowledge, no occurrence of c.745G>A in individuals affected with Iodotyrosine deiodination defect and no experimental evidence demonstrating its impact on protein function have been reported. ClinVar contains an entry for this variant (Variation ID: 2360232). Based on the evidence outlined above, the variant was classified as uncertain significance.

Ambry Genetics
Classification: Uncertain significance. Last evaluated: 2021-09-01. Review status: criteria provided, single submitter. Criteria: Ambry Variant Classification Scheme 2023. Collection method: clinical testing. Allele origin: germline.